The following is an entry in ClinVar:

ClinVar aggregate classification (germline): Benign/Likely benign. Review status: criteria provided, multiple submitters, no conflicts (2 of 4 stars). 7 submissions from 7 submitters: Benign (2); Likely benign (2). 3 of the submissions do not count toward it. Last evaluated 2025-11-08.

Conditions:
APOL1-related disorder. Also called: APOL1-related condition.

Allele frequency attached by ClinVar (database versions not stated): gnomAD 0.00324 and 0.00337; ESP Exome Variant Server 0.00331; TOPMed 0.00342; 1000 Genomes Project 0.00379; 1000 Genomes Project 30x 0.00468.
gnomAD v4.1: 1,295 of 1,597,768 alleles (0.081%); highest among the groups gnomAD compares: African/African-American, 1.1%; 3 homozygotes.

Submissions (7):

Ambry Genetics
Classification: Likely benign. Last evaluated: 2025-11-08. Review status: criteria provided, single submitter. Criteria: Ambry Variant Classification Scheme 2023. Collection method: clinical testing. Allele origin: germline.

Labcorp Genetics (formerly Invitae), Labcorp
Classification: Benign. Last evaluated: 2025-11-06. Review status: criteria provided, single submitter. Criteria: Invitae Variant Classification Sherloc (09022015). Collection method: clinical testing. Allele origin: germline.

Blueprint Genetics
Classification: Likely benign. Last evaluated: 2024-11-13. Review status: criteria provided, single submitter. Criteria: ACMG Guidelines, 2015. Collection method: clinical testing. Allele origin: germline.

Breakthrough Genomics
Classification: Benign. Review status: criteria provided, single submitter. Criteria: ACMG Guidelines, 2015. Collection method: not provided. Allele origin: germline. Inheritance: Unknown mechanism. Affected: yes.

PreventionGenetics, part of Exact Sciences
Classification: Benign for APOL1-related condition. Last evaluated: 2019-07-01. Review status: no assertion criteria provided. Collection method: clinical testing. Allele origin: germline. Not counted in ClinVar's aggregate classification.
Comment: This variant is classified as benign based on ACMG/AMP sequence variant interpretation guidelines (Richards et al. 2015 PMID: 25741868, with internal and published modifications).

Clinical Genetics DNA and cytogenetics Diagnostics Lab, Erasmus MC, Erasmus Medical Center
Classification: Benign. Review status: no assertion criteria provided. Collection method: clinical testing. Allele origin: germline. Affected: yes. Study: VKGL Data-share Consensus. Not counted in ClinVar's aggregate classification.

Genome Diagnostics Laboratory, University Medical Center Utrecht
Classification: Likely benign. Review status: no assertion criteria provided. Collection method: clinical testing. Allele origin: germline. Affected: yes. Study: VKGL Data-share Consensus. Not counted in ClinVar's aggregate classification.

NM_003661.4(APOL1):c.809G>A (p.Gly270Asp)

Gene: APOL1 (apolipoprotein L1; plus strand). Cytogenetic location: 22q12.3.
Variant type: single nucleotide variant.
Coding change: c.809G>A on transcript NM_003661.4 (MANE Select); coding-DNA position 809, G replaced by A.
Protein change: p.Gly270Asp; replaces glycine 270 with aspartic acid.
Molecular consequence: missense variant.
Genome position (GRCh38, 1-based): chr22:36,265,645, G>A. VCF-style: chr22-36265645-G-A. GRCh37 (hg19) VCF-style: chr22-36661691-G-A.
Other names: c.809G>A, p.Gly270Asp (NM_001136540.2); c.755G>A, p.Gly252Asp (NM_001136541.2, NM_001362927.2); c.857G>A, p.Gly286Asp (NM_145343.3); short protein forms G270D, G286D, G252D.
Identifiers: ClinVar variation 731686 (VCV000731686.16), dbSNP rs73403889, ClinGen allele CA10208756.